The following is an entry in ClinVar:

NM_000384.3(APOB):c.5116dup (p.Thr1706fs)

Gene: APOB (apolipoprotein B; minus strand). Cytogenetic location: 2p24.1.
Variant type: Duplication.
Coding change: c.5116dup on transcript NM_000384.3 (MANE Select); coding-DNA position 5116, one base duplicated (A; older notation c.5116dupA).
Protein change: p.Thr1706fs; shifts the reading frame from threonine 1706.
Molecular consequence: frameshift variant.
Genome position (GRCh38, 1-based): chr2:21,011,752, T duplicated on the plus strand (A on the coding strand, the reverse complement: APOB is on the minus strand). VCF-style (leftmost placement, unchanged base first): chr2-21011751-G-GT. GRCh37 (hg19) VCF-style: chr2-21234623-G-GT.
Other names: short protein forms T1706fs.
Identifiers: ClinVar variation 404409 (VCV000404409.48), dbSNP rs1553383931, ClinGen allele CA16610703.
Genomic context (GRCh38, chr2:21,011,751, plus strand): 5'-ATGTTTTTGCTGTCGACACCCAGAATCATGGCCTGATAAGCACTTCCCAGTGATAGCTCT[G>GT]TGAGGGCGGCTTTCCCATCCAGACTGAATTTTGCATTGTGTTCCCTGAAGCGGCCATTTG-3'

ClinVar aggregate classification (germline): Pathogenic. Review status: criteria provided, single submitter (1 of 4 stars). 2 submissions from 1 submitter: Pathogenic (2). Last evaluated 2016-07-31.

Conditions:
Familial hypobetalipoproteinemia 1. Also called: APOB-Related Familial Hypobetalipoproteinemia; Hypobetalipoproteinemia, normotriglyceridemic; Acanthocytosis with hypobetalipoproteinemia. Identifiers: MedGen C4551990, MONDO:0014252, OMIM 615558.
Hypercholesterolemia, autosomal dominant, type B (FHCL2). Also called: APOB-Related Familial Hypercholesterolemia, Autosomal Dominant; Familial Hypercholesterolemia Type B; APOLIPOPROTEIN B-100, FAMILIAL DEFECTIVE; APOLIPOPROTEIN B-100, FAMILIAL LIGAND-DEFECTIVE; Hyperlipoproteinemia Type IIb; Familial hypercholesterolemia 2. Identifiers: MedGen C1704417, MONDO:0007751, OMIM 144010.

Submissions (2):

Labcorp Genetics (formerly Invitae), Labcorp
Classification: Pathogenic for Familial hypobetalipoproteinemia 1. Last evaluated: 2016-07-31. Review status: criteria provided, single submitter. Criteria: Invitae Variant Classification Sherloc (09022015). Collection method: clinical testing. Allele origin: germline.
Comment: This sequence change inserts 1 nucleotide in exon 26 of the APOB mRNA (c.5116dupA), causing a frameshift at codon 1706. This creates a premature translational stop signal (p.Thr1706Asnfs*32) and is expected to result in an absent or disrupted protein product. While this particular variant has not been reported in the literature, loss-of-function variants in APOB are known to be pathogenic in the context of hypobetalipoproteinemia (PMID: 17570373, 22855658). For these reasons, this variant has been classified as Pathogenic.

Labcorp Genetics (formerly Invitae), Labcorp
Classification: Pathogenic for Familial hypobetalipoproteinemia 1; Hypercholesterolemia, autosomal dominant, type B. Last evaluated: 2016-07-31. Review status: criteria provided, single submitter. Criteria: Invitae Variant Classification Sherloc (09022015). Collection method: clinical testing. Allele origin: germline.
Comment: While this particular variant has not been reported in the literature, loss-of-function variants in APOB are known to be pathogenic in the context of hypobetalipoproteinemia (PMID: 17570373, 22855658). For these reasons, this variant has been classified as Pathogenic. This sequence change inserts 1 nucleotide in exon 26 of the APOB mRNA (c.5116dupA), causing a frameshift at codon 1706. This creates a premature translational stop signal (p.Thr1706Asnfs*32) and is expected to result in an absent or disrupted protein product.

Literature cited by the submitters: PubMed 17570373; PubMed 22855658.